The following is an entry in ClinVar:

ClinVar aggregate classification (germline): Uncertain significance (1 of 4 stars; one submission).

Conditions:
Charcot-Marie-Tooth disease axonal type 2P. Also called: CHARCOT-MARIE-TOOTH DISEASE, AXONAL, TYPE 2G; CMT 2G; CHARCOT-MARIE-TOOTH NEUROPATHY, TYPE 2P; Charcot-Marie-Tooth Neuropathy Type 2G. Identifiers: Orphanet 300319, Orphanet 99941, MedGen C3280797, MONDO:0013753, OMIM 614436.

Allele frequency attached by ClinVar (database versions not stated): gnomAD exomes below 0.00001; gnomAD 0.00001; TOPMed 0.00001; ExAC 0.00002; ESP Exome Variant Server 0.00008.
gnomAD v4.1: 6 of 1,613,964 alleles (0.00037%); highest among the groups gnomAD compares: African/African-American, 0.004%; no homozygotes.

Submission:

Labcorp Genetics (formerly Invitae), Labcorp
Classification: Uncertain significance for Charcot-Marie-Tooth disease axonal type 2P. Last evaluated: 2023-08-09. Review status: criteria provided, single submitter. Criteria: Invitae Variant Classification Sherloc (09022015). Collection method: clinical testing. Allele origin: germline.
Comment: In summary, the available evidence is currently insufficient to determine the role of this variant in disease. Therefore, it has been classified as a Variant of Uncertain Significance. Advanced modeling of protein sequence and biophysical properties (such as structural, functional, and spatial information, amino acid conservation, physicochemical variation, residue mobility, and thermodynamic stability) performed at Invitae indicates that this missense variant is expected to disrupt LRSAM1 protein function. ClinVar contains an entry for this variant (Variation ID: 2195992). This variant has not been reported in the literature in individuals affected with LRSAM1-related conditions. This variant is present in population databases (rs139695483, gnomAD 0.007%). This sequence change replaces proline, which is neutral and non-polar, with leucine, which is neutral and non-polar, at codon 45 of the LRSAM1 protein (p.Pro45Leu).

NM_001005373.4(LRSAM1):c.134C>T (p.Pro45Leu)

Gene: LRSAM1 (leucine rich repeat and sterile alpha motif containing 1; plus strand). Cytogenetic location: 9q33.3.
Variant type: single nucleotide variant.
Coding change: c.134C>T on transcript NM_001005373.4 (MANE Select); coding-DNA position 134, C replaced by T.
Protein change: p.Pro45Leu; replaces proline 45 with leucine.
Molecular consequence: missense variant. On other transcripts: 5 prime UTR variant (1), non-coding transcript variant (2).
Genome position (GRCh38, 1-based): chr9:127,455,580, C>T. VCF-style: chr9-127455580-C-T. GRCh37 (hg19) VCF-style: chr9-130217859-C-T.
Other names: c.134C>T, p.Pro45Leu (NM_001005374.4, NM_001190723.3, NM_001384142.1 and 2 more transcripts); c.-651C>T (NM_001384144.1); short protein forms P45L.
Identifiers: ClinVar variation 2195992 (VCV002195992.4), dbSNP rs139695483, ClinGen allele CA5246405.